The following is an entry in ClinVar:

ClinVar aggregate classification (germline): Conflicting classifications of pathogenicity. Review status: criteria provided, conflicting classifications (1 of 4 stars). 9 submissions from 9 submitters: Uncertain significance (1); Likely benign (8). Last evaluated 2025-12-19.

Conditions:
Familial thoracic aortic aneurysm and aortic dissection (TAAD). Also called: Thoracic aortic aneurysms and dissections. Identifiers: Orphanet 91387, MedGen C4707243, MONDO:0019625.
Aortic aneurysm, familial thoracic 4 (AAT4). Also called: AORTIC ANEURYSM/AORTIC DISSECTION AND PATENT DUCTUS ARTERIOSUS. Identifiers: MedGen C1851504, MONDO:0007568, OMIM 132900.

Submissions (9):

Labcorp Genetics (formerly Invitae), Labcorp
Classification: Likely benign for Aortic aneurysm, familial thoracic 4. Last evaluated: 2025-12-19. Review status: criteria provided, single submitter. Criteria: Invitae Variant Classification Sherloc (09022015). Collection method: clinical testing. Allele origin: germline.

Women's Health and Genetics/Laboratory Corporation of America, LabCorp
Classification: Likely benign. Last evaluated: 2025-12-12. Review status: criteria provided, single submitter. Criteria: LabCorp Variant Classification Summary - May 2015. Collection method: clinical testing. Allele origin: germline.
Comment: Variant summary: MYH11 c.5808-9_5808-8delCT alters a conserved nucleotide located at a position not widely known to affect splicing. Several computational tools predict a significant impact on normal splicing: Three predict the variant weakens a 3' acceptor site. One predict the variant no significant impact on splicing. However, these predictions have yet to be confirmed by functional studies. The variant allele was found at a frequency of 0.00021 in 242886 control chromosomes. The observed variant frequency exceeds the estimated maximal expected allele frequency for disease-causing variants in MYH11. To our knowledge, no occurrence of c.5808-9_5808-8delCT in individuals affected with MYH11-related conditions and no experimental evidence demonstrating its impact on protein function have been reported. ClinVar contains an entry for this variant (Variation ID: 465752). Based on the evidence outlined above, the variant was classified as likely benign.

CeGaT Center for Human Genetics Tuebingen
Classification: Likely benign. Last evaluated: 2025-08-01. Review status: criteria provided, single submitter. Criteria: CeGaT Center For Human Genetics Tuebingen Variant Classification Criteria Version 2. Collection method: clinical testing. Allele origin: germline. Affected: yes. Observed: 3 variant alleles.
Comment: MYH11: BP4

ARUP Laboratories, Molecular Genetics and Genomics, ARUP Laboratories
Classification: Likely benign. Last evaluated: 2025-05-13. Review status: criteria provided, single submitter. Criteria: ARUP Molecular Germline Variant Investigation Process 2024. Collection method: clinical testing. Allele origin: germline.

Blueprint Genetics
Classification: Likely benign. Last evaluated: 2024-06-21. Review status: criteria provided, single submitter. Criteria: ACMG Guidelines, 2015. Collection method: clinical testing. Allele origin: germline.

GeneDx
Classification: Likely benign. Last evaluated: 2021-06-15. Review status: criteria provided, single submitter. Criteria: GeneDx Variant Classification Process June 2021. Collection method: clinical testing. Allele origin: germline. Affected: yes.

CHEO Genetics Diagnostic Laboratory, Children's Hospital of Eastern Ontario
Classification: Likely benign for Familial thoracic aortic aneurysm and aortic dissection. Last evaluated: 2020-05-05. Review status: criteria provided, single submitter. Criteria: ACMG Guidelines, 2015. Collection method: clinical testing. Allele origin: germline.

Color Diagnostics, LLC DBA Color Health
Classification: Likely benign for Familial thoracic aortic aneurysm and aortic dissection. Last evaluated: 2018-04-16. Review status: criteria provided, single submitter. Criteria: ACMG Guidelines, 2015. Collection method: clinical testing. Allele origin: germline.

Eurofins Ntd Llc (ga)
Classification: Uncertain significance. Last evaluated: 2017-07-20. Review status: criteria provided, single submitter. Criteria: EGL Classification Definitions 2015. Collection method: clinical testing. Allele origin: germline. Observed: 1 variant allele, 1 heterozygote.

NM_002474.3(MYH11):c.5787-4733CT[3]

Genes: MYH11 (myosin heavy chain 11; minus strand), NDE1 (nudE neurodevelopment protein 1; plus strand). Cytogenetic location: 16p13.11.
Variant type: Microsatellite.
Coding change: c.5787-4733CT[3] on transcript NM_002474.3 (MANE Select); three copies in a row of the 2-base unit CT starting at c.5787-4733; the reference has four copies in a row; one copy, 2 bases deleted.
Molecular consequence: intron variant.
Genome position (GRCh38, 1-based): chr16:15,708,849-15,708,850, AG deleted on the plus strand (CT on the coding strand, the reverse complement: MYH11 is on the minus strand); deleting any 2 consecutive bases within chr16:15,708,849-15,708,857 gives the same sequence; the position shown is the placement nearest the transcript's 3' end. VCF-style (leftmost placement, unchanged base first): chr16-15708848-CAG-C. GRCh37 (hg19) VCF-style: chr16-15802705-CAG-C.
Other names: c.947+11989AG[3] (NM_001143979.2, NM_017668.3); c.5787-15CT[3] (NM_022844.3); c.5808-4733CT[3] (NM_001040114.2); c.5808-15CT[3] (NM_001040113.2); c.5808-9_5808-8delCT (NM_001040113.2); c.5808-9_5808-8del (NM_001040113.1).
Identifiers: ClinVar variation 465752 (VCV000465752.49), dbSNP rs747642850, ClinGen allele CA7921113.
Genomic context (GRCh38, chr16:15,708,848, plus strand): 5'-CTGAAGGCATGATACCTGGTGCATCACTGCGAAGTTTCCTGTGGGGGGGGCCCTCTGAAA[CAG>C]AGAGAGAATCCCCGGAGGTTACCATCAGCAAACAAGAAGGAGCCCGGTTAAGTATATTCT-3'